The following is an entry in ClinVar:

NM_032119.4(ADGRV1):c.14575G>A (p.Gly4859Ser)

Gene: ADGRV1 (adhesion G protein-coupled receptor V1; plus strand). Cytogenetic location: 5q14.3.
Variant type: single nucleotide variant.
Coding change: c.14575G>A on transcript NM_032119.4 (MANE Select); coding-DNA position 14575, G replaced by A.
Protein change: p.Gly4859Ser; replaces glycine 4859 with serine.
Molecular consequence: missense variant. On other transcripts: non-coding transcript variant (1).
Genome position (GRCh38, 1-based): chr5:90,802,796, G>A. VCF-style: chr5-90802796-G-A. GRCh37 (hg19) VCF-style: chr5-90098613-G-A.
Other names: short protein forms G4859S.
Identifiers: ClinVar variation 506246 (VCV000506246.6), dbSNP rs747275713, ClinGen allele CA3341761.

ClinVar aggregate classification (germline): Conflicting classifications of pathogenicity. Review status: criteria provided, conflicting classifications (1 of 4 stars). 2 submissions from 2 submitters: Uncertain significance (1); Likely benign (1). Last evaluated 2022-06-29.

Allele frequency attached by ClinVar (database versions not stated): gnomAD 0.00001 and 0.00002; gnomAD exomes 0.00001; ExAC 0.00002.
gnomAD v4.1: 18 of 1,612,632 alleles (0.0011%); highest among the groups gnomAD compares: Non-Finnish European, 0.0014%; no homozygotes.

Submissions (2):

Labcorp Genetics (formerly Invitae), Labcorp
Classification: Uncertain significance. Last evaluated: 2022-06-29. Review status: criteria provided, single submitter. Criteria: Invitae Variant Classification Sherloc (09022015). Collection method: clinical testing. Allele origin: germline.
Comment: This sequence change replaces glycine, which is neutral and non-polar, with serine, which is neutral and polar, at codon 4859 of the ADGRV1 protein (p.Gly4859Ser). This variant is present in population databases (rs747275713, gnomAD 0.01%). This variant has not been reported in the literature in individuals affected with ADGRV1-related conditions. ClinVar contains an entry for this variant (Variation ID: 506246). Algorithms developed to predict the effect of missense changes on protein structure and function output the following: SIFT: "Tolerated"; PolyPhen-2: "Benign"; Align-GVGD: "Class C0". The serine amino acid residue is found in multiple mammalian species, which suggests that this missense change does not adversely affect protein function. In summary, the available evidence is currently insufficient to determine the role of this variant in disease. Therefore, it has been classified as a Variant of Uncertain Significance.

Laboratory for Molecular Medicine, Mass General Brigham Personalized Medicine
Classification: Likely benign. Last evaluated: 2018-01-28. Review status: criteria provided, single submitter. Criteria: LMM Criteria. Collection method: clinical testing. Allele origin: germline. Observed: 1 variant allele.
Comment: p.Gly4859Ser in exon 71 of ADGRV1: This variant is not expected to have clinical significance due to a lack of conservation across species, including mammals. O f note, 10 mammals have a Serine (Ser) at this position despite high nearby amin o acid conservation. In addition, computational prediction tools do not suggest a high likelihood of impact to the protein. The variant has been identified in 6 /126060 European chromosomes by the Genome Aggregation Database (gnomAD; dbSNP: rs747275713). ACMG/AMP criteria applied: BP4_S trong